The following is an entry in ClinVar:

NR_001564.3(XIST):n.15371C>G

Genes: TSIX (TSIX transcript, XIST antisense RNA; plus strand), XIST (X inactive specific transcript; minus strand). Cytogenetic location: Xq13.2.
Variant type: single nucleotide variant.
Molecular consequence: non-coding transcript variant (on NR_001564.3).
Genome position: GRCh38 VCF-style: chrX-73824521-G-C. GRCh37 (hg19) VCF-style: chrX-73044356-G-C.
Identifiers: ClinVar variation 3350445 (VCV003350445.1).

ClinVar aggregate classification (germline): Likely benign (0 of 4 stars; one submission).

Conditions:
XIST-related disorder. Also called: XIST-related condition.

gnomAD v4.1: 993 of 554,741 alleles (0.18%); highest among the groups gnomAD compares: Middle Eastern, 2.6%; 2 homozygotes.

Submission:

PreventionGenetics, part of Exact Sciences
Classification: Likely benign for XIST-related condition. Last evaluated: 2024-09-09. Review status: no assertion criteria provided. Collection method: clinical testing. Allele origin: germline.
Comment: This variant is classified as likely benign based on ACMG/AMP sequence variant interpretation guidelines (Richards et al. 2015 PMID: 25741868, with internal and published modifications).